The following is an entry in ClinVar:

ClinVar aggregate classification (germline): Uncertain significance (1 of 4 stars; one submission).

Submission:

Labcorp Genetics (formerly Invitae), Labcorp
Classification: Uncertain significance. Last evaluated: 2024-03-06. Review status: criteria provided, single submitter. Criteria: Invitae Variant Classification Sherloc (09022015). Collection method: clinical testing. Allele origin: germline.
Comment: This sequence change replaces leucine, which is neutral and non-polar, with serine, which is neutral and polar, at codon 282 of the NTHL1 protein (p.Leu282Ser). This variant is not present in population databases (gnomAD no frequency). This variant has not been reported in the literature in individuals affected with NTHL1-related conditions. ClinVar contains an entry for this variant (Variation ID: 835035). An algorithm developed to predict the effect of missense changes on protein structure and function (PolyPhen-2) suggests that this variant is likely to be disruptive. In summary, the available evidence is currently insufficient to determine the role of this variant in disease. Therefore, it has been classified as a Variant of Uncertain Significance.

NM_002528.7(NTHL1):c.821T>C (p.Leu274Ser)

Gene: NTHL1 (nth like DNA glycosylase 1; minus strand). Cytogenetic location: 16p13.3.
Variant type: single nucleotide variant.
Coding change: c.821T>C on transcript NM_002528.7 (MANE Select); coding-DNA position 821, T replaced by C.
Protein change: p.Leu274Ser; replaces leucine 274 with serine.
Molecular consequence: missense variant.
Genome position (GRCh38, 1-based): chr16:2,040,018, A>G on the plus strand (T>C on the coding strand, the complement: NTHL1 is on the minus strand). VCF-style: chr16-2040018-A-G. GRCh37 (hg19) VCF-style: chr16-2090019-A-G.
Other names: c.650T>C, p.Leu217Ser (NM_001318193.2); c.491T>C, p.Leu164Ser (NM_001318194.2); short protein forms L164S, L274S, L217S.
Identifiers: ClinVar variation 835035 (VCV000835035.8), dbSNP rs1486594694, ClinGen allele CA394287429.